The following is an entry in ClinVar:

NM_000138.5(FBN1):c.8363C>T (p.Thr2788Met)

Gene: FBN1 (fibrillin 1; minus strand). Cytogenetic location: 15q21.1.
Variant type: single nucleotide variant.
Coding change: c.8363C>T on transcript NM_000138.5 (MANE Select); coding-DNA position 8363, C replaced by T.
Protein change: p.Thr2788Met; replaces threonine 2788 with methionine.
Molecular consequence: missense variant.
Genome position (GRCh38, 1-based): chr15:48,411,243, G>A on the plus strand (C>T on the coding strand, the complement: FBN1 is on the minus strand). VCF-style: chr15-48411243-G-A. GRCh37 (hg19) VCF-style: chr15-48703440-G-A.
Other names: NM_000138.4(FBN1):c.8363C>T; p.Thr2788Met; short protein forms T2788M.
Identifiers: ClinVar variation 263832 (VCV000263832.28), dbSNP rs143007898, ClinGen allele CA059963.

ClinVar aggregate classification (germline): Benign. Review status: reviewed by expert panel (3 of 4 stars). 8 submissions from 8 submitters: Benign (1). 7 of the submissions do not count toward it. Last evaluated 2023-02-01.

Conditions:
Marfan syndrome (MFS). Also called: MARFAN SYNDROME, TYPE I; FBN1-Related Marfan Syndrome; Marfan syndrome, classic; Marfan syndrome type 1; Marfan's syndrome. Identifiers: Orphanet 284963, Orphanet 558, MedGen C0024796, MONDO:0007947, OMIM 154700.
Familial thoracic aortic aneurysm and aortic dissection (TAAD). Also called: Thoracic aortic aneurysms and dissections. Identifiers: Orphanet 91387, MedGen C4707243, MONDO:0019625.

Allele frequency attached by ClinVar (database versions not stated): ESP Exome Variant Server 0.00046; 1000 Genomes Project 30x 0.00047; gnomAD 0.00032 and 0.00031; TOPMed 0.00033; 1000 Genomes Project 0.00060.
gnomAD v4.1: 118 of 1,614,010 alleles (0.0073%); highest among the groups gnomAD compares: African/African-American, 0.13%; 3 homozygotes.

Submissions (8):

ClinGen FBN1 Variant Curation Expert Panel, ClinGen
Classification: Benign for Marfan syndrome. Last evaluated: 2023-02-01. Review status: reviewed by expert panel. Criteria: Assertion Criteria VCEP FBN1 Version 1. Collection method: curation. Allele origin: germline. Inheritance: Autosomal dominant inheritance.
Comment: The NM_00138 c.8363C>T, is a missense variant in FBN1 predicted to cause a substitution of a threonine by methionine at amino acid 2788 (p.Thr2788Met). The variant in FBN1 has been reported 13 times in ClinVar: 12 times as likely benign and once as benign (Variation ID: 263832). This variant has been identified in 44 individuals of African origin (gnomAD version 3.1.1, MAF: 0.1%, one homozygous) (BA1). Computational prediction tools and conservation analysis are unclear on the predicted impact on the protein (REVEL: 0.356). The constraint z-score for missense variants affecting FBN1 is 5.06, however due to the presence of benign arguments PP2 cannot be used. In summary, this variant meets criteria to be classified as benign for Marfan syndrome based on the ACMG/AMP criteria applied, as specified by the ClinGen FBN1 VCEP: BA1.

Labcorp Genetics (formerly Invitae), Labcorp
Classification: Likely benign for Marfan syndrome; Familial thoracic aortic aneurysm and aortic dissection. Last evaluated: 2025-12-15. Review status: criteria provided, single submitter. Criteria: Invitae Variant Classification Sherloc (09022015). Collection method: clinical testing. Allele origin: germline. Not counted in ClinVar's aggregate classification.

ARUP Laboratories, Molecular Genetics and Genomics, ARUP Laboratories
Classification: Benign. Last evaluated: 2024-02-14. Review status: criteria provided, single submitter. Criteria: ARUP Molecular Germline Variant Investigation Process 2024. Collection method: clinical testing. Allele origin: germline. Not counted in ClinVar's aggregate classification.

CHEO Genetics Diagnostic Laboratory, Children's Hospital of Eastern Ontario
Classification: Likely benign for Familial thoracic aortic aneurysm and aortic dissection. Last evaluated: 2022-12-29. Review status: criteria provided, single submitter. Criteria: ACMG Guidelines, 2015. Collection method: clinical testing. Allele origin: germline. Not counted in ClinVar's aggregate classification.

Ambry Genetics
Classification: Likely benign for Familial thoracic aortic aneurysm and aortic dissection. Last evaluated: 2022-03-27. Review status: criteria provided, single submitter. Criteria: Ambry Variant Classification Scheme 2023. Collection method: clinical testing. Allele origin: germline. Not counted in ClinVar's aggregate classification.

Color Diagnostics, LLC DBA Color Health
Classification: Likely benign for Familial thoracic aortic aneurysm and aortic dissection. Last evaluated: 2021-04-13. Review status: criteria provided, single submitter. Criteria: ACMG Guidelines, 2015. Collection method: clinical testing. Allele origin: germline. Not counted in ClinVar's aggregate classification.

Women's Health and Genetics/Laboratory Corporation of America, LabCorp
Classification: Benign. Last evaluated: 2017-06-06. Review status: criteria provided, single submitter. Criteria: LabCorp Variant Classification Summary - May 2015. Collection method: clinical testing. Allele origin: germline. Not counted in ClinVar's aggregate classification.
Comment: Variant summary: The FBN1 c.8363C>T (p.Thr2788Met) variant alters a conserved nucleotide. The variant is located outside of any known functional domain or repeat, although 3/4 in silico tools (SNPs&GO not captured here due to low reliability) predict a damaging outcome for this variant. The variant of interest has been identified in a large, broad control datasets of ExAC and gnomAD at a similar frequencies of 0.0001071 (13/121406 chrs and 26/277156 chrs tested, respectively). In both datasets, the variant was identified exclusively in individuals of African ancestry (0.001249; 13/10406 chrs tested and 0.0009987; 24/24032). The observed frequencies exceed the estimated maximal expected allele frequency of a pathogenic FBN1 variant (0.0001), suggesting that the variant represents a rare ethnic-specific functional polymorphism. The variant of interest has not, to our knowledge, been reported in affected individuals via publications, but is sited as Likely Benign by clinical diagnostic laboratories/reputable databases. Taken together, this variant is classified as a Benign.

Center for Medical Genetics Ghent, University of Ghent
Classification: Likely benign for Marfan syndrome. Last evaluated: 2017-11-07. Review status: no assertion criteria provided. Collection method: clinical testing. Allele origin: germline. Affected: yes. Not counted in ClinVar's aggregate classification.